The following is an entry in ClinVar:

NM_007294.4(BRCA1):c.4987-1G>C

Gene: BRCA1 (BRCA1 DNA repair associated; minus strand). Cytogenetic location: 17q21.31.
Variant type: single nucleotide variant.
Coding change: c.4987-1G>C on transcript NM_007294.4 (MANE Select); the canonical splice acceptor site of the intron before coding-DNA position 4987, G replaced by C.
Molecular consequence: splice acceptor variant. On other transcripts: intron variant (1).
Genome position (GRCh38, 1-based): chr17:43,067,696, C>G on the plus strand (G>C on the coding strand, the complement: BRCA1 is on the minus strand). VCF-style: chr17-43067696-C-G. GRCh37 (hg19) VCF-style: chr17-41219713-C-G.
Other names: c.4987-1G>C (NM_001407652.1, NM_001407854.1, NM_001407598.1 and 8 more transcripts); c.1462-1G>C (NM_001408492.1, NM_001408493.1); c.1531-1G>C (NM_001408468.1, NM_001408469.1, NM_001408470.1); c.4840-1G>C (NM_001407842.1, NM_001407846.1, NM_001407850.1 and 12 more transcripts); c.4843-1G>C (NM_001407749.1, NM_001407943.1, NM_001407748.1 and 21 more transcripts); c.1414-1G>C (NM_001408501.1, NM_001408500.1, NM_001408497.1 and 3 more transcripts); c.1537-1G>C (NM_001408455.1, NM_001408452.1, NM_001408457.1 and 3 more transcripts); c.4846-1G>C (NM_001407731.1, NM_001407695.1, NM_001407726.1 and 13 more transcripts); and 71 more.
Identifiers: ClinVar variation 481445 (VCV000481445.17), dbSNP rs730881495, ClinGen allele CA10591546.

ClinVar aggregate classification (germline): Pathogenic. Review status: criteria provided, multiple submitters, no conflicts (2 of 4 stars). 3 submissions from 3 submitters: Pathogenic (3). Last evaluated 2024-10-24.

Conditions:
Hereditary breast ovarian cancer syndrome. Also called: Breast and ovarian cancer; Hereditary breast and/or ovarian cancer syndrome; BRCA1- and BRCA2-Associated Hereditary Breast and Ovarian Cancer; Hereditary breast and ovarian cancer syndrome; Hereditary breast and ovarian cancer syndrome (HBOC); Hereditary breast and ovarian cancer. Identifiers: Orphanet 145, MedGen C0677776, MeSH D061325, MONDO:0003582. Disease mechanism: loss of function.
Breast-ovarian cancer, familial, susceptibility to, 1 (BROVCA1). Also called: BRCA1 Hereditary Breast and Ovarian Cancer; OVARIAN CANCER, SUSCEPTIBILITY TO. Identifiers: Orphanet 145, MedGen C2676676, MONDO:0011450, OMIM 604370. Disease mechanism: loss of function.
Hereditary cancer-predisposing syndrome. Also called: Tumor predisposition; Hereditary Cancer Syndrome; Hereditary neoplastic syndrome; Neoplastic Syndromes, Hereditary. Identifiers: Orphanet 140162, MedGen C0027672, MeSH D009386, MONDO:0015356.

Submissions (4):

Molecular Pathology, Peter Maccallum Cancer Centre
Classification: Pathogenic for Breast-ovarian cancer, familial, susceptibility to, 1. Last evaluated: 2024-10-24. Review status: criteria provided, single submitter. Criteria: ACMG Guidelines, 2015. Collection method: clinical testing. Allele origin: germline. Inheritance: Autosomal dominant inheritance.

Ambry Genetics
Classification: Pathogenic for Hereditary cancer-predisposing syndrome. Last evaluated: 2024-09-04. Review status: criteria provided, single submitter. Criteria: Ambry Variant Classification Scheme 2023. Collection method: clinical testing. Allele origin: germline.
Comment: The c.4987-1G>C intronic pathogenic mutation results from a G to C substitution one nucleotide upstream from coding exon 15 of the BRCA1 gene. One functional study found that this nucleotide substitution is non-functional in a high throughput, genome editing, haploid cell survival assay (Findlay GM et al. Nature, 2018 Oct;562:217-222). This variant is considered to be rare based on population cohorts in the Genome Aggregation Database (gnomAD). This nucleotide position is highly conserved in available vertebrate species. In silico splice site analysis predicts that this alteration will weaken the native splice acceptor site; however, direct evidence is insufficient at this time (Ambry internal data). Alterations that disrupt the canonical splice site are expected to cause aberrant splicing, resulting in an abnormal protein or a transcript that is subject to nonsense-mediated mRNA decay. As such, this alteration is classified as a disease-causing mutation.

Labcorp Genetics (formerly Invitae), Labcorp
Classification: Pathogenic for Hereditary breast ovarian cancer syndrome. Last evaluated: 2020-01-08. Review status: criteria provided, single submitter. Criteria: Invitae Variant Classification Sherloc (09022015). Collection method: clinical testing. Allele origin: germline.
Comment: This variant is not present in population databases (ExAC no frequency). This sequence change affects an acceptor splice site in intron 15 of the BRCA1 gene. It is expected to disrupt RNA splicing and likely results in an absent or disrupted protein product. Experimental studies have shown that this variant disrupts mRNA splicing (PMID: 30209399). Donor and acceptor splice site variants typically lead to a loss of protein function (PMID: 16199547), and loss-of-function variants in BRCA1 are known to be pathogenic (PMID: 20104584). For these reasons, this variant has been classified as Pathogenic. This variant has not been reported in the literature in individuals with BRCA1-related conditions. ClinVar contains an entry for this variant (Variation ID: 481445).

Brotman Baty Institute, University of Washington
No classification provided (evidence only). Condition: Breast-ovarian cancer, familial 1. Review status: no classification provided. Collection method: in vitro. Allele origin: not applicable. Functional consequence: functionally_abnormal. Not counted in ClinVar's aggregate classification.
ClinVar note: "not provided" was previously submitted as the classification for the variant. However, the classification appeared to be based only on an observation of functional data so it was converted to no classification on 2025-07-30.

Literature cited by the submitters: PubMed 30209399 (cited by Ambry Genetics and Labcorp Genetics (formerly Invitae), Labcorp); PubMed 16199547 (cited by Labcorp Genetics (formerly Invitae), Labcorp); PubMed 20104584 (cited by Labcorp Genetics (formerly Invitae), Labcorp).